The following is an entry in ClinVar:

NM_138694.4(PKHD1):c.7811_7827del (p.Arg2604fs)

Gene: PKHD1 (PKHD1 ciliary IPT domain containing fibrocystin/polyductin; minus strand). Cytogenetic location: 6p12.2.
Variant type: Deletion.
Coding change: c.7811_7827del on transcript NM_138694.4 (MANE Select); coding-DNA positions 7811 to 7827, 17 bases deleted (GTGATACATTGTCTAAC).
Protein change: p.Arg2604fs; shifts the reading frame from arginine 2604.
Molecular consequence: frameshift variant.
Genome position (GRCh38, 1-based): chr6:51,855,977-51,855,993, GTTAGACAATGTATCAC deleted on the plus strand (GTGATACATTGTCTAAC on the coding strand, the reverse complement: PKHD1 is on the minus strand); deleting any 17 consecutive bases within chr6:51,855,977-51,855,995 gives the same sequence; the c. name uses the placement nearest the transcript's 3' end. VCF-style (leftmost placement, unchanged base first): chr6-51855976-GGTTAGACAATGTATCAC-G. GRCh37 (hg19) VCF-style: chr6-51720774-GGTTAGACAATGTATCAC-G.
Other names: c.7811_7827del, p.Arg2604fs (NM_170724.3); short protein forms R2604fs.
Identifiers: ClinVar variation 642402 (VCV000642402.8), dbSNP rs1583054534, ClinGen allele CA915944280.

ClinVar aggregate classification (germline): Pathogenic/Likely pathogenic. Review status: criteria provided, multiple submitters, no conflicts (2 of 4 stars). 2 submissions from 2 submitters: Pathogenic (1); Likely pathogenic (1). Last evaluated 2024-11-20.

Conditions:
Autosomal recessive polycystic kidney disease (ARPKD). Also called: AR polycystic kidney disease. Identifiers: Orphanet 731, Orphanet 8378, MedGen C0085548, MeSH D017044, MONDO:0009889.

Submissions (2):

Natera, Inc.
Classification: Likely pathogenic for Autosomal recessive polycystic kidney disease. Last evaluated: 2024-11-20. Review status: criteria provided, single submitter. Criteria: Natera Variant Classification Schema (03/2026). Collection method: clinical testing. Allele origin: germline.
Comment: The c.7811_7827delGTGATACATTGTCTAAC variant in PKHD1 is a frameshift variant predicted to shift the reading frame beginning at codon 2604 and leads to a stop codon 19 codons downstream. This variant is expected to result in nonsense mediated decay, truncation, or a dysfunctional protein product. This variant is rare in the general population with a frequency below the threshold expected for the associated phenotype(s). Given the available evidence, this variant is classified as Likely Pathogenic.

Labcorp Genetics (formerly Invitae), Labcorp
Classification: Pathogenic for Autosomal recessive polycystic kidney disease. Last evaluated: 2018-09-04. Review status: criteria provided, single submitter. Criteria: Invitae Variant Classification Sherloc (09022015). Collection method: clinical testing. Allele origin: germline.
Comment: Loss-of-function variants in PKHD1 are known to be pathogenic (PMID: 19940839). For these reasons, this variant has been classified as Pathogenic. This sequence change creates a premature translational stop signal (p.Arg2604Profs*19) in the PKHD1 gene. It is expected to result in an absent or disrupted protein product. This variant is not present in population databases (ExAC no frequency). This variant has not been reported in the literature in individuals with PKHD1-related disease.

Literature cited by the submitters: PubMed 19940839 (cited by Labcorp Genetics (formerly Invitae), Labcorp).